The following is an entry in ClinVar:

Conditions:
Breast-ovarian cancer, familial, susceptibility to, 1 (BROVCA1). Also called: BRCA1 Hereditary Breast and Ovarian Cancer; OVARIAN CANCER, SUSCEPTIBILITY TO. Identifiers: Orphanet 145, MedGen C2676676, MONDO:0011450, OMIM 604370. Disease mechanism: loss of function.

Submission:

Brotman Baty Institute, University of Washington
No classification provided (evidence only). Condition: Breast-ovarian cancer, familial 1. Review status: no classification provided. Collection method: in vitro. Allele origin: not applicable. Functional consequence: functionally_abnormal.
ClinVar note: "not provided" was previously submitted as the classification for the variant. However, the classification appeared to be based only on an observation of functional data so it was converted to no classification on 2025-07-30.

NM_007294.4(BRCA1):c.5217T>A (p.Asp1739Glu)

Gene: BRCA1 (BRCA1 DNA repair associated; minus strand). Cytogenetic location: 17q21.31.
Variant type: single nucleotide variant.
Coding change: c.5217T>A on transcript NM_007294.4 (MANE Select); coding-DNA position 5217, T replaced by A.
Protein change: p.Asp1739Glu; replaces aspartic acid 1739 with glutamic acid.
Molecular consequence: missense variant. On other transcripts: non-coding transcript variant (1).
Genome position (GRCh38, 1-based): chr17:43,057,112, A>T on the plus strand (T>A on the coding strand, the complement: BRCA1 is on the minus strand). VCF-style: chr17-43057112-A-T. GRCh37 (hg19) VCF-style: chr17-41209129-A-T.
Other names: c.5004T>A, p.Asp1668Glu (NM_001407571.1, NM_001407900.1, NM_001407902.1 and 12 more transcripts); c.5283T>A, p.Asp1761Glu (NM_001407581.1, NM_001407582.1); c.5280T>A, p.Asp1760Glu (NM_001407583.1, NM_001407585.1, NM_001407587.1 and 1 more transcripts); c.5277T>A, p.Asp1759Glu (NM_001407590.1, NM_001407591.1); c.5217T>A, p.Asp1739Glu (NM_001407593.1, NM_001407594.1, NM_001407596.1 and 7 more transcripts); c.5214T>A, p.Asp1738Glu (NM_001407610.1, NM_001407611.1, NM_001407612.1 and 17 more transcripts); c.5211T>A, p.Asp1737Glu (NM_001407629.1, NM_001407630.1, NM_001407631.1 and 14 more transcripts); c.5157T>A, p.Asp1719Glu (NM_001407649.1); and 72 more; short protein forms D1760E, D1692E, D1739E, D635E, D1443E, D1570E, D1610E, D1651E.
Identifiers: ClinVar variation 867855 (VCV000867855.3), dbSNP rs80357340, ClinGen allele CA10591108.